The following is an entry in ClinVar:

NM_014639.4(SKIC3):c.3248C>T (p.Ser1083Leu)

Gene: SKIC3 (SKI3 subunit of superkiller complex; minus strand). Cytogenetic location: 5q15.
Variant type: single nucleotide variant.
Coding change: c.3248C>T on transcript NM_014639.4 (MANE Select); coding-DNA position 3248, C replaced by T.
Protein change: p.Ser1083Leu; replaces serine 1083 with leucine.
Molecular consequence: missense variant.
Genome position (GRCh38, 1-based): chr5:95,502,973, G>A on the plus strand (C>T on the coding strand, the complement: SKIC3 is on the minus strand). VCF-style: chr5-95502973-G-A. GRCh37 (hg19) VCF-style: chr5-94838677-G-A.
Other names: short protein forms S1083L.
Identifiers: ClinVar variation 1503056 (VCV001503056.4), dbSNP rs540722823, ClinGen allele CA122840143.

ClinVar aggregate classification (germline): Uncertain significance (1 of 4 stars; one submission).

Allele frequency attached by ClinVar (database versions not stated): gnomAD exomes below 0.00001.
gnomAD v4.1: 15 of 1,613,938 alleles (0.00093%); highest among the groups gnomAD compares: Middle Eastern, 0.017%; no homozygotes.

Submission:

Labcorp Genetics (formerly Invitae), Labcorp
Classification: Uncertain significance. Last evaluated: 2022-09-07. Review status: criteria provided, single submitter. Criteria: Invitae Variant Classification Sherloc (09022015). Collection method: clinical testing. Allele origin: germline.
Comment: This sequence change replaces serine, which is neutral and polar, with leucine, which is neutral and non-polar, at codon 1083 of the TTC37 protein (p.Ser1083Leu). This variant is present in population databases (rs540722823, gnomAD 0.004%). This variant has not been reported in the literature in individuals affected with TTC37-related conditions. ClinVar contains an entry for this variant (Variation ID: 1503056). Algorithms developed to predict the effect of missense changes on protein structure and function (SIFT, PolyPhen-2, Align-GVGD) all suggest that this variant is likely to be tolerated. In summary, the available evidence is currently insufficient to determine the role of this variant in disease. Therefore, it has been classified as a Variant of Uncertain Significance.